The following is an entry in ClinVar:

ClinVar aggregate classification (germline): Conflicting classifications of pathogenicity. Review status: criteria provided, conflicting classifications (1 of 4 stars). 3 submissions from 3 submitters: Uncertain significance (1); Likely benign (2). Last evaluated 2025-01-17.

Conditions:
Inborn genetic diseases. Identifiers: MedGen C0950123, MeSH D030342.
Focal segmental glomerulosclerosis 5 (FSGS5). Identifiers: Orphanet 656, MedGen C2750475, MONDO:0013191, OMIM 613237.
Charcot-Marie-Tooth disease dominant intermediate E. Also called: CHARCOT-MARIE-TOOTH NEUROPATHY WITH FOCAL SEGMENTAL GLOMERULONEPHRITIS. Identifiers: Orphanet 93114, MedGen C4302667, MONDO:0013758, OMIM 614455.

Allele frequency attached by ClinVar (database versions not stated): TOPMed 0.00001; gnomAD 0.00004 and 0.00005; gnomAD exomes 0.00006; ExAC 0.00009; 1000 Genomes Project 30x 0.00016; 1000 Genomes Project 0.00020.
gnomAD v4.1: 34 of 1,599,634 alleles (0.0021%); highest among the groups gnomAD compares: East Asian, 0.025%; no homozygotes.

Submissions (3):

Mayo Clinic Laboratories, Mayo Clinic
Classification: Uncertain significance. Last evaluated: 2025-01-17. Review status: criteria provided, single submitter. Criteria: ACMG Guidelines, 2015. Collection method: clinical testing. Allele origin: germline. Observed: 1 variant allele.
Comment: BS2

Labcorp Genetics (formerly Invitae), Labcorp
Classification: Likely benign for Charcot-Marie-Tooth disease dominant intermediate E; Focal segmental glomerulosclerosis 5. Last evaluated: 2024-06-06. Review status: criteria provided, single submitter. Criteria: Invitae Variant Classification Sherloc (09022015). Collection method: clinical testing. Allele origin: germline.

Ambry Genetics
Classification: Likely benign for Inborn genetic diseases. Last evaluated: 2020-07-07. Review status: criteria provided, single submitter. Criteria: Ambry Variant Classification Scheme 2023. Collection method: clinical testing. Allele origin: germline.

NM_022489.4(INF2):c.916C>T (p.Arg306Cys)

Gene: INF2 (inverted formin 2; plus strand). Cytogenetic location: 14q32.33.
Variant type: single nucleotide variant.
Coding change: c.916C>T on transcript NM_022489.4 (MANE Select); coding-DNA position 916, C replaced by T.
Protein change: p.Arg306Cys; replaces arginine 306 with cysteine.
Molecular consequence: missense variant.
Genome position (GRCh38, 1-based): chr14:104,706,982, C>T. VCF-style: chr14-104706982-C-T. GRCh37 (hg19) VCF-style: chr14-105173319-C-T.
Other names: p.Arg306Cys; c.916C>T, p.Arg306Cys (NM_001031714.4); short protein forms R306C.
Identifiers: ClinVar variation 577419 (VCV000577419.12), dbSNP rs542700662, ClinGen allele CA7372464.